The following is an entry in ClinVar:

ClinVar aggregate classification (germline): Pathogenic. Review status: criteria provided, single submitter (1 of 4 stars). 2 submissions from 2 submitters: Pathogenic (1). 1 of the submissions does not count toward it. Last evaluated 2026-04-06.

Conditions:
Osteogenesis imperfecta type III (OI3). Also called: Progressively Deforming Osteogenesis Imperfecta; Osteogenesis imperfecta type 3; OI type 3; Osteogenesis imperfecta, progressively deforming with normal sclerae; OI type III. Identifiers: Orphanet 216812, Orphanet 666, MedGen C0268362, MONDO:0009804, OMIM 259420.

Submissions (2):

GeneDx
Classification: Pathogenic. Last evaluated: 2026-04-06. Review status: criteria provided, single submitter. Criteria: GeneDx Variant Classification Process June 2021. Collection method: clinical testing. Allele origin: germline.
Comment: Occurs in the triple helical domain and replaces a glycine in a canonical Gly-X-Y repeat; missense substitution of a canonical glycine residue is expected to disrupt normal protein folding and function, and this is an established mechanism of disease (PMID: 34007986); Not observed at significant frequency in large population cohorts (gnomAD); In silico analysis supports that this missense variant has a deleterious effect on protein structure/function; This variant is associated with the following publications: (PMID: 27510842, 32234057, Kahn2025[CaseReport], 34007986, 26177859)

Department of Medical Sciences, Uppsala University
Classification: Pathogenic for OI type III. Review status: no assertion criteria provided. Collection method: clinical testing. Allele origin: unknown. Affected: yes. Observed: 1 variant allele. Not counted in ClinVar's aggregate classification.

Literature cited by the submitters: PubMed 25944380 (cited by Department of Medical Sciences, Uppsala University).

NM_000088.4(COL1A1):c.2075G>C (p.Gly692Ala)

Gene: COL1A1 (collagen type I alpha 1 chain; minus strand). Cytogenetic location: 17q21.33.
Variant type: single nucleotide variant.
Coding change: c.2075G>C on transcript NM_000088.4 (MANE Select); coding-DNA position 2075, G replaced by C.
Protein change: p.Gly692Ala; replaces glycine 692 with alanine.
Molecular consequence: missense variant.
Genome position (GRCh38, 1-based): chr17:50,191,840, C>G on the plus strand (G>C on the coding strand, the complement: COL1A1 is on the minus strand). VCF-style: chr17-50191840-C-G. GRCh37 (hg19) VCF-style: chr17-48269201-C-G.
Other names: c.2075G>C (LRG_1t1); short protein forms G692A.
Identifiers: ClinVar variation 425604 (VCV000425604.2), dbSNP rs1114167388, ClinGen allele CA400211829.